The following is an entry in ClinVar:

ClinVar aggregate classification (germline): Likely benign (0 of 4 stars; one submission).

Conditions:
EP300-related disorder. Also called: EP300-related disorders; EP300-related condition.

gnomAD v4.1: 1 of 1,614,008 alleles (0.000062%); highest among the groups gnomAD compares: African/African-American, 0.0013%; no homozygotes.

Submission:

PreventionGenetics, part of Exact Sciences
Classification: Likely benign for EP300-related condition. Last evaluated: 2022-03-23. Review status: no assertion criteria provided. Collection method: clinical testing. Allele origin: germline.
Comment: This variant is classified as likely benign based on ACMG/AMP sequence variant interpretation guidelines (Richards et al. 2015 PMID: 25741868, with internal and published modifications).

NM_001429.4(EP300):c.5163T>C (p.Ala1721=)

Gene: EP300 (E1A binding protein p300; plus strand). Cytogenetic location: 22q13.2.
Variant type: single nucleotide variant.
Coding change: c.5163T>C on transcript NM_001429.4 (MANE Select); coding-DNA position 5163, T replaced by C.
Protein change: p.Ala1721=; no amino-acid change (alanine 1721 retained).
Molecular consequence: synonymous variant.
Genome position (GRCh38, 1-based): chr22:41,176,874, T>C. VCF-style: chr22-41176874-T-C. GRCh37 (hg19) VCF-style: chr22-41572878-T-C.
Other names: c.5085T>C, p.Ala1695= (NM_001362843.2).
Identifiers: ClinVar variation 3352085 (VCV003352085.1).
Genomic context (GRCh38, chr22:41,176,874, plus strand): 5'-TGACCACAAAATGGAGAAACTAGGCCTTGGCTTAGATGATGAGAGCAACAACCAGCAGGC[T>C]GCAGCCACCCAGAGCCCAGGCGATTCTCGCCGCCTGAGTATCCAGCGCTGCATCCAGTCT-3'
Protein context (NP_001420.2, residues 1711-1731): GLDDESNNQQ[Ala1721=]AATQSPGDSR